The following is an entry in ClinVar:

NM_004006.3(DMD):c.9807+5G>C

Gene: DMD (dystrophin; minus strand). Cytogenetic location: Xp21.2.
Variant type: single nucleotide variant.
Coding change: c.9807+5G>C on transcript NM_004006.3 (MANE Select); 5 bases into the intron after coding-DNA position 9807, G replaced by C.
Molecular consequence: intron variant.
Genome position (GRCh38, 1-based): chrX:31,203,956, C>G on the plus strand (G>C on the coding strand, the complement: DMD is on the minus strand). VCF-style: chrX-31203956-C-G. GRCh37 (hg19) VCF-style: chrX-31222073-C-G.
Other names: c.9783+5G>C (NM_000109.4); c.5784+5G>C (NM_004011.4); c.5775+5G>C (NM_004012.4); c.2427+5G>C (NM_004023.3, NM_004020.4, NM_004022.3 and 2 more transcripts); c.1620+5G>C (NM_004014.3); c.603+5G>C (NM_004018.3, NM_004017.3, NM_004016.3 and 2 more transcripts); c.9795+5G>C (NM_004009.3); c.9438+5G>C (NM_004010.3).
Identifiers: ClinVar variation 1378468 (VCV001378468.6), dbSNP rs1569460607, ClinGen allele CA2573158723.
Genomic context (GRCh38, chrX:31,203,956, plus strand): 5'-GGTTTTTTAATTAATTTCTAAAATATGAAAGAATAAATATGTTACCTAGAAGGTGAATAA[C>G]TTACAAATTGGAAGCAGCTCCGGACACTTGGCTCAATGTTACTGCCCCCAAAGGATGCAA-3'

ClinVar aggregate classification (germline): Pathogenic (1 of 4 stars; one submission).

Conditions:
Duchenne muscular dystrophy (DMD). Also called: MUSCULAR DYSTROPHY, PSEUDOHYPERTROPHIC PROGRESSIVE, DUCHENNE TYPE; Duchenne Muscular Dystrophy (DMD). Identifiers: Orphanet 98896, MedGen C0013264, MONDO:0010679, OMIM 310200.

Submission:

Labcorp Genetics (formerly Invitae), Labcorp
Classification: Pathogenic for Duchenne muscular dystrophy. Last evaluated: 2022-08-09. Review status: criteria provided, single submitter. Criteria: Invitae Variant Classification Sherloc (09022015). Collection method: clinical testing. Allele origin: germline.
Comment: ClinVar contains an entry for this variant (Variation ID: 1378468). For these reasons, this variant has been classified as Pathogenic. This variant disrupts the c.9807+5G nucleotide in the DMD gene. Other variant(s) that disrupt this nucleotide have been determined to be pathogenic (PMID: 11710958, 29604111; Invitae). This suggests that this nucleotide is clinically significant, and that variants that disrupt this position are likely to be disease-causing. Variants that disrupt the consensus splice site are a relatively common cause of aberrant splicing (PMID: 17576681, 9536098). Algorithms developed to predict the effect of sequence changes on RNA splicing suggest that this variant may disrupt the consensus splice site. This variant has been observed in individual(s) with clinical features of Duchenne muscular dystrophy (Invitae). In at least one individual the variant was observed to be de novo. This variant is not present in population databases (gnomAD no frequency). This sequence change falls in intron 67 of the DMD gene. It does not directly change the encoded amino acid sequence of the DMD protein. It affects a nucleotide within the consensus splice site.

Literature cited by the submitters: PubMed 11710958; PubMed 29604111; PubMed 17576681; PubMed 9536098.